The following is an entry in ClinVar:

NM_000719.7(CACNA1C):c.4527G>A (p.Lys1509=)

Gene: CACNA1C (calcium voltage-gated channel subunit alpha1 C; plus strand). Cytogenetic location: 12p13.33.
Variant type: single nucleotide variant.
Coding change: c.4527G>A on transcript NM_000719.7 (MANE Select); coding-DNA position 4527, G replaced by A.
Protein change: p.Lys1509=; no amino-acid change (lysine 1509 retained).
Molecular consequence: synonymous variant.
Genome position (GRCh38, 1-based): chr12:2,666,686, G>A. VCF-style: chr12-2666686-G-A. GRCh37 (hg19) VCF-style: chr12-2775852-G-A.
Other names: c.4671G>A, p.Lys1557= (NM_001129827.2, NM_199460.4); c.4593G>A, p.Lys1531= (NM_001129829.2); c.4527G>A, p.Lys1509= (NM_001129830.3, NM_001129833.2, NM_001129834.2 and 7 more transcripts); c.4611G>A, p.Lys1537= (NM_001129831.2); c.4587G>A, p.Lys1529= (NM_001129832.2); c.4578G>A, p.Lys1526= (NM_001129836.2); c.4494G>A, p.Lys1498= (NM_001129837.2, NM_001129838.2, NM_001129846.2 and 1 more transcripts); c.4488G>A, p.Lys1496= (NM_001129839.2); and 1 more.
Identifiers: ClinVar variation 2731480 (VCV002731480.3), dbSNP rs2529908057, ClinGen allele CA477884850.

ClinVar aggregate classification (germline): Uncertain significance (1 of 4 stars; one submission).

Conditions:
Long QT syndrome (LQTS). Identifiers: MedGen C0023976, MeSH D008133, MONDO:0002442. Disease mechanism: loss of function. Inheritance: Various modes of inheritance.

Submission:

Labcorp Genetics (formerly Invitae), Labcorp
Classification: Uncertain significance for Long QT syndrome. Last evaluated: 2023-10-04. Review status: criteria provided, single submitter. Criteria: Invitae Variant Classification Sherloc (09022015). Collection method: clinical testing. Allele origin: germline.
Comment: This sequence change affects codon 1509 of the CACNA1C mRNA. It is a 'silent' change, meaning that it does not change the encoded amino acid sequence of the CACNA1C protein. It affects a nucleotide within the consensus splice site. This variant is not present in population databases (gnomAD no frequency). This variant has not been reported in the literature in individuals affected with CACNA1C-related conditions. Algorithms developed to predict the effect of sequence changes on RNA splicing suggest that this variant may create or strengthen a splice site. In summary, the available evidence is currently insufficient to determine the role of this variant in disease. Therefore, it has been classified as a Variant of Uncertain Significance.